The following is an entry in ClinVar:

NM_030962.4(SBF2):c.4296T>C (p.Tyr1432=)

Genes: SBF2 (SET binding factor 2; minus strand), SBF2-AS1 (SBF2 antisense RNA 1; plus strand). Cytogenetic location: 11p15.4.
Variant type: single nucleotide variant.
Coding change: c.4296T>C on transcript NM_030962.4 (MANE Select); coding-DNA position 4296, T replaced by C.
Protein change: p.Tyr1432=; no amino-acid change (tyrosine 1432 retained).
Molecular consequence: synonymous variant. On other transcripts: non-coding transcript variant (1).
Genome position (GRCh38, 1-based): chr11:9,808,147, A>G on the plus strand (T>C on the coding strand, the complement: SBF2 is on the minus strand). VCF-style: chr11-9808147-A-G. GRCh37 (hg19) VCF-style: chr11-9829694-A-G.
Other names: c.4392T>C, p.Tyr1464= (NM_001386339.1); c.4167T>C, p.Tyr1389= (NM_001386342.1); c.4332T>C, p.Tyr1444= (NM_001424318.1, NM_001425070.1); c.4191T>C, p.Tyr1397= (NM_001425069.1).
Identifiers: ClinVar variation 3643198 (VCV003643198.2).
Genomic context (GRCh38, chr11:9,808,147, plus strand): 5'-TTTGTGACCAAAAGAGAGCCACTCTTTTTCAACCAACATCTGGAAGCCTTCAAGTGTCCT[A>G]TAAAAGGGATCACTGAGTAACTGAACCAGGGATGTCACCTAGGGCATAAGCAGGATGGAT-3'
Protein context (NP_112224.1, residues 1422-1442): SLVQLLSDPF[Tyr1432=]RTLEGFQMLV

ClinVar aggregate classification (germline): Uncertain significance (1 of 4 stars; one submission).

Conditions:
Charcot-Marie-Tooth disease type 4. Also called: Charcot-Marie-Tooth disease, type IV; Charcot-Marie-Tooth, Type 4. Identifiers: Orphanet 64749, MedGen C4082197, MONDO:0018995.

Submission:

Labcorp Genetics (formerly Invitae), Labcorp
Classification: Uncertain significance for Charcot-Marie-Tooth disease type 4. Last evaluated: 2024-02-25. Review status: criteria provided, single submitter. Criteria: Invitae Variant Classification Sherloc (09022015). Collection method: clinical testing. Allele origin: germline.
Comment: This sequence change affects codon 1432 of the SBF2 mRNA. It is a 'silent' change, meaning that it does not change the encoded amino acid sequence of the SBF2 protein. This variant is not present in population databases (gnomAD no frequency). This variant has not been reported in the literature in individuals affected with SBF2-related conditions. Algorithms developed to predict the effect of sequence changes on RNA splicing suggest that this variant may create or strengthen a splice site. In summary, the available evidence is currently insufficient to determine the role of this variant in disease. Therefore, it has been classified as a Variant of Uncertain Significance.